The following is an entry in ClinVar:

NM_017755.6(NSUN2):c.1780G>A (p.Gly594Ser)

Gene: NSUN2 (NOP2/Sun RNA methyltransferase 2; minus strand). Cytogenetic location: 5p15.31.
Variant type: single nucleotide variant.
Coding change: c.1780G>A on transcript NM_017755.6 (MANE Select); coding-DNA position 1780, G replaced by A.
Protein change: p.Gly594Ser; replaces glycine 594 with serine.
Molecular consequence: missense variant. On other transcripts: non-coding transcript variant (1).
Genome position (GRCh38, 1-based): chr5:6,604,643, C>T on the plus strand (G>A on the coding strand, the complement: NSUN2 is on the minus strand). VCF-style: chr5-6604643-C-T. GRCh37 (hg19) VCF-style: chr5-6604756-C-T.
Other names: c.1675G>A, p.Gly559Ser (NM_001193455.2); short protein forms G594S, G559S.
Identifiers: ClinVar variation 905352 (VCV000905352.7), dbSNP rs763793795, ClinGen allele CA3192322.

ClinVar aggregate classification (germline): Uncertain significance. Review status: criteria provided, multiple submitters, no conflicts (2 of 4 stars). 3 submissions from 3 submitters: Uncertain significance (3). Last evaluated 2025-04-25.

Conditions:
Intellectual developmental disorder, autosomal recessive 5. Also called: Intellectual disability, autosomal recessive 5. Identifiers: Orphanet 88616, MedGen C1970199, MONDO:0012613, OMIM 611091.
Inborn genetic diseases. Identifiers: MedGen C0950123, MeSH D030342.

Allele frequency attached by ClinVar (database versions not stated): ExAC 0.00008; gnomAD exomes 0.00009 and 0.00013; TOPMed 0.00008; gnomAD 0.00012 and 0.00013.
gnomAD v4.1: 204 of 1,613,940 alleles (0.013%); highest among the groups gnomAD compares: Non-Finnish European, 0.016%; no homozygotes.

Submissions (3):

Ambry Genetics
Classification: Uncertain significance for Inborn genetic diseases. Last evaluated: 2025-04-25. Review status: criteria provided, single submitter. Criteria: Ambry Variant Classification Scheme 2023. Collection method: clinical testing. Allele origin: germline.

Labcorp Genetics (formerly Invitae), Labcorp
Classification: Uncertain significance. Last evaluated: 2022-08-01. Review status: criteria provided, single submitter. Criteria: Invitae Variant Classification Sherloc (09022015). Collection method: clinical testing. Allele origin: germline.
Comment: This sequence change replaces glycine, which is neutral and non-polar, with serine, which is neutral and polar, at codon 594 of the NSUN2 protein (p.Gly594Ser). This variant is present in population databases (rs763793795, gnomAD 0.02%). This variant has not been reported in the literature in individuals affected with NSUN2-related conditions. ClinVar contains an entry for this variant (Variation ID: 905352). Algorithms developed to predict the effect of missense changes on protein structure and function output the following: SIFT: "Tolerated"; PolyPhen-2: "Benign"; Align-GVGD: "Class C0". The serine amino acid residue is found in multiple mammalian species, which suggests that this missense change does not adversely affect protein function. In summary, the available evidence is currently insufficient to determine the role of this variant in disease. Therefore, it has been classified as a Variant of Uncertain Significance.

Illumina Laboratory Services, Illumina
Classification: Uncertain significance for Intellectual developmental disorder, autosomal recessive 5. Last evaluated: 2018-01-12. Review status: criteria provided, single submitter. Criteria: ICSL Variant Classification Criteria 13 December 2019. Collection method: clinical testing. Allele origin: germline.